The following is an entry in ClinVar:

ClinVar aggregate classification (germline): Uncertain significance. Review status: criteria provided, multiple submitters, no conflicts (2 of 4 stars). 2 submissions from 2 submitters: Uncertain significance (2). Last evaluated 2025-01-01.

Allele frequency attached by ClinVar (database versions not stated): gnomAD exomes 0.00001.
gnomAD v4.1: 4 of 1,613,894 alleles (0.00025%); highest among the groups gnomAD compares: East Asian, 0.0089%; no homozygotes.

Submissions (2):

Labcorp Genetics (formerly Invitae), Labcorp
Classification: Uncertain significance. Last evaluated: 2025-01-01. Review status: criteria provided, single submitter. Criteria: Invitae Variant Classification Sherloc (09022015). Collection method: clinical testing. Allele origin: germline.
Comment: This sequence change replaces methionine, which is neutral and non-polar, with isoleucine, which is neutral and non-polar, at codon 253 of the TERF2IP protein (p.Met253Ile). This variant is not present in population databases (gnomAD no frequency). This variant has not been reported in the literature in individuals affected with TERF2IP-related conditions. ClinVar contains an entry for this variant (Variation ID: 1759698). An algorithm developed to predict the effect of missense changes on protein structure and function outputs the following: PolyPhen-2: "Benign". The isoleucine amino acid residue is found in multiple mammalian species, which suggests that this missense change does not adversely affect protein function. In summary, the available evidence is currently insufficient to determine the role of this variant in disease. Therefore, it has been classified as a Variant of Uncertain Significance.

Ambry Genetics
Classification: Uncertain significance. Last evaluated: 2024-01-30. Review status: criteria provided, single submitter. Criteria: Ambry Variant Classification Scheme 2023. Collection method: clinical testing. Allele origin: germline.
Comment: The p.M253I variant (also known as c.759G>A), located in coding exon 2 of the TERF2IP gene, results from a G to A substitution at nucleotide position 759. The methionine at codon 253 is replaced by isoleucine, an amino acid with highly similar properties. This amino acid position is conserved. In addition, this alteration is predicted to be tolerated by in silico analysis. Since supporting evidence is limited at this time, the clinical significance of this alteration remains unclear.

NM_018975.4(TERF2IP):c.759G>A (p.Met253Ile)

Gene: TERF2IP (TERF2 interacting protein; plus strand). Cytogenetic location: 16q23.1.
Variant type: single nucleotide variant.
Coding change: c.759G>A on transcript NM_018975.4 (MANE Select); coding-DNA position 759, G replaced by A.
Protein change: p.Met253Ile; replaces methionine 253 with isoleucine.
Molecular consequence: missense variant. On other transcripts: non-coding transcript variant (1).
Genome position (GRCh38, 1-based): chr16:75,654,361, G>A. VCF-style: chr16-75654361-G-A. GRCh37 (hg19) VCF-style: chr16-75688259-G-A.
Other names: short protein forms M253I.
Identifiers: ClinVar variation 1759698 (VCV001759698.4), dbSNP rs2082369075, ClinGen allele CA396819243.